The following is an entry in ClinVar:

ClinVar aggregate classification (germline): Pathogenic. Review status: criteria provided, single submitter (1 of 4 stars). 2 submissions from 2 submitters: Pathogenic (1). 1 of the submissions does not count toward it. Last evaluated 2022-03-09.

Conditions:
Charcot-Marie-Tooth disease axonal type 2V. Also called: CHARCOT-MARIE-TOOTH NEUROPATHY, TYPE 2V; CHARCOT-MARIE-TOOTH DISEASE, AXONAL, AUTOSOMAL DOMINANT, TYPE 2V. Identifiers: Orphanet 447964, MedGen C5569050, MONDO:0014665, OMIM 616491.
Mucopolysaccharidosis, MPS-III-B (MPS3B). Also called: MPS III B; Mucopolysaccharidosis type IIIB (Sanfilippo B); SANFILIPPO SYNDROME B; MUCOPOLYSACCHARIDOSIS, TYPE IIIB; MPS IIIB (Sanfilippo Syndrome Type B); N-ACETYL-ALPHA-D-GLUCOSAMINIDASE DEFICIENCY. Identifiers: Orphanet 79270, MedGen C0086648, MONDO:0009656, OMIM 252920.

Submissions (2):

Labcorp Genetics (formerly Invitae), Labcorp
Classification: Pathogenic for Charcot-Marie-Tooth disease axonal type 2V; Mucopolysaccharidosis, MPS-III-B. Last evaluated: 2022-03-09. Review status: criteria provided, single submitter. Criteria: Invitae Variant Classification Sherloc (09022015). Collection method: clinical testing. Allele origin: germline.
Comment: This sequence change replaces phenylalanine, which is neutral and non-polar, with leucine, which is neutral and non-polar, at codon 48 of the NAGLU protein (p.Phe48Leu). This variant is not present in population databases (gnomAD no frequency). A different variant (c.144C>G) giving rise to the same protein effect has been determined to be pathogenic (PMID: 10094189, 11068184; Invitae). This suggests that this variant is also likely to be causative of disease. ClinVar contains an entry for this variant (Variation ID: 1569). Advanced modeling of protein sequence and biophysical properties (such as structural, functional, and spatial information, amino acid conservation, physicochemical variation, residue mobility, and thermodynamic stability) performed at Invitae indicates that this missense variant is expected to disrupt NAGLU protein function. For these reasons, this variant has been classified as Pathogenic.

OMIM
Classification: Pathogenic for MUCOPOLYSACCHARIDOSIS, TYPE IIIB. Last evaluated: 2000-11-15. Review status: no assertion criteria provided. Collection method: literature only. Allele origin: germline. Not counted in ClinVar's aggregate classification.

Literature cited by the submitters: PubMed 10094189 (cited by Labcorp Genetics (formerly Invitae), Labcorp); PubMed 11068184 (cited by Labcorp Genetics (formerly Invitae), Labcorp and OMIM).

NM_000263.4(NAGLU):c.142T>C (p.Phe48Leu)

Genes: NAGLU (N-acetyl-alpha-glucosaminidase; plus strand), LOC130060903 (ATAC-STARR-seq lymphoblastoid silent region 8533; plus strand). Cytogenetic location: 17q21.2.
Variant type: single nucleotide variant.
Coding change: c.142T>C on transcript NM_000263.4 (MANE Select); coding-DNA position 142, T replaced by C.
Protein change: p.Phe48Leu; replaces phenylalanine 48 with leucine.
Molecular consequence: missense variant.
Genome position (GRCh38, 1-based): chr17:42,536,414, T>C. VCF-style: chr17-42536414-T-C. GRCh37 (hg19) VCF-style: chr17-40688432-T-C.
Other names: short protein forms F48L.
Identifiers: ClinVar variation 1569 (VCV000001569.7), dbSNP rs118204024, ClinGen allele CA115052.